The following is an entry in ClinVar:

ClinVar aggregate classification (germline): Pathogenic (1 of 4 stars; one submission).

Conditions:
Medium-chain acyl-coenzyme A dehydrogenase deficiency (ACADMD). Also called: MCADH DEFICIENCY; Medium chain acyl-CoA dehydrogenase deficiency; ACADM DEFICIENCY; CARNITINE DEFICIENCY SECONDARY TO MEDIUM-CHAIN ACYL-CoA DEHYDROGENASE DEFICIENCY; MCADD; MCAD Deficiency. Identifiers: Orphanet 42, MedGen C0220710, MONDO:0008721, OMIM 201450.

Submission:

Labcorp Genetics (formerly Invitae), Labcorp
Classification: Pathogenic for Medium-chain acyl-coenzyme A dehydrogenase deficiency. Last evaluated: 2025-08-29. Review status: criteria provided, single submitter. Criteria: Invitae Variant Classification Sherloc (09022015). Collection method: clinical testing. Allele origin: germline.
Comment: This sequence change creates a premature translational stop signal (p.Gln293Lysfs*22) in the ACADM gene. It is expected to result in an absent or disrupted protein product. Loss-of-function variants in ACADM are known to be pathogenic (PMID: 16121256, 20434380). This variant is not present in population databases (gnomAD no frequency). This variant has not been reported in the literature in individuals affected with ACADM-related conditions. For these reasons, this variant has been classified as Pathogenic.

Literature cited by the submitters: PubMed 16121256; PubMed 20434380.

NM_000016.6(ACADM):c.876del (p.Gln293fs)

Gene: ACADM (acyl-CoA dehydrogenase medium chain; plus strand). Cytogenetic location: 1p31.1.
Variant type: Deletion.
Coding change: c.876del on transcript NM_000016.6 (MANE Select); coding-DNA position 876, one base deleted (A; older notation c.876delA).
Protein change: p.Gln293fs; shifts the reading frame from glutamine 293.
Molecular consequence: frameshift variant.
Genome position (GRCh38, 1-based): chr1:75,750,477, A deleted. VCF-style (leftmost placement, unchanged base first): chr1-75750476-CA-C. GRCh37 (hg19) VCF-style: chr1-76216161-CA-C.
Other names: c.888del, p.Gln297fs (NM_001127328.3); c.768del, p.Gln257fs (NM_001286042.2); c.975del, p.Gln326fs (NM_001286043.2); c.309del, p.Gln104fs (NM_001286044.2); short protein forms Q104fs, Q293fs, Q297fs, Q257fs, Q326fs.
Identifiers: ClinVar variation 4722755 (VCV004722755.1).